The following is an entry in ClinVar:

NM_001365276.2(TNXB):c.4737delinsTA (p.Leu1580fs)

Gene: TNXB (tenascin XB; minus strand). Cytogenetic location: 6p21.33.
Variant type: Indel.
Coding change: c.4737delinsTA on transcript NM_001365276.2 (MANE Select); coding-DNA position 4737, C replaced by TA.
Protein change: p.Leu1580fs; shifts the reading frame from leucine 1580.
Molecular consequence: frameshift variant.
Genome position (GRCh38, 1-based): chr6:32,072,243, G replaced by TA on the plus strand (C replaced by TA on the coding strand, the reverse complement: TNXB is on the minus strand). VCF-style: chr6-32072243-G-TA. GRCh37 (hg19) VCF-style: chr6-32040020-G-TA.
Other names: c.5478delinsTA, p.Leu1827fs (NM_001428335.1); c.4737delinsTA, p.Leu1580fs (NM_019105.8); short protein forms L1580fs, L1827fs.
Identifiers: ClinVar variation 5015801 (VCV005015801.1).

ClinVar aggregate classification (germline): Pathogenic (1 of 4 stars; one submission).

Conditions:
Ehlers-Danlos syndrome due to tenascin-X deficiency (EDSCLL1). Also called: EDS DUE TO TNX DEFICIENCY; TNX DEFICIENCY; Ehlers-Danlos syndrome, classic-like, 1; EHLERS-DANLOS SYNDROME, CLASSIC-LIKE; TNXB-Related Classical-Like Ehlers-Danlos Syndrome. Identifiers: Orphanet 230839, MedGen C1848029, MONDO:0011670, OMIM 606408.

Submission:

Myriad Genetics, Inc.
Classification: Pathogenic for Ehlers-Danlos syndrome due to tenascin-X deficiency. Last evaluated: 2026-04-14. Review status: criteria provided, single submitter. Criteria: Myriad Autosomal Dominant, Autosomal Recessive and X-Linked Classification Criteria (2023). Collection method: clinical testing. Allele origin: unknown.
Comment: NM_019105.6(TNXB):c.4737delCinsTA(L1580Tfs*12) is expected to be pathogenic in the context of classical-like Ehlers-Danlos syndrome, TNXB-related. This variant is predicted to lead to an abnormal or absent protein product due to the creation of a premature termination codon in TNXB, a gene where loss-of-function variants are known to be pathogenic. Please note: this variant was assessed in the context of healthy population screening.